The following is an entry in ClinVar:

ClinVar aggregate classification (germline): Benign. Review status: reviewed by expert panel (3 of 4 stars). 3 submissions from 3 submitters: Benign (1). 2 of the submissions do not count toward it. Last evaluated 2020-05-13.

Conditions:
Hereditary thrombocytopenia and hematologic cancer predisposition syndrome. Identifiers: Orphanet 71290, MedGen CN281654, MONDO:0011071.
Hereditary thrombocytopenia and hematological cancer predisposition syndrome associated with RUNX1. Also called: PLATELET DISORDER, ASPIRIN-LIKE; RUNX1 Familial Platelet Disorder with Associated Myeloid Malignancies; Familial Platelet Disorder with Propensity to Acute Myelogenous Leukemia; Familial thrombocytopenia with propensity to acute myelogenous leukemia. Identifiers: Orphanet 71290, MedGen C1832388, MeSH C563324, MONDO:0100083, OMIM 601399.

Allele frequency attached by ClinVar (database versions not stated): 1000 Genomes Project 30x 0.01889; 1000 Genomes Project 0.02037; TOPMed 0.03346; gnomAD 0.03524 and 0.03659; gnomAD exomes 0.03756.
gnomAD v4.1: 8,489 of 233,576 alleles (3.6%); highest among the groups gnomAD compares: Non-Finnish European, 5.2%; 225 homozygotes.

Submissions (3):

ClinGen Myeloid Malignancy Variant Curation Expert Panel
Classification: Benign for Hereditary thrombocytopenia and hematologic cancer predisposition syndrome. Last evaluated: 2020-05-13. Review status: reviewed by expert panel. Criteria: ClinGen MyeloMalig ACMG Specifications v1. Collection method: curation. Allele origin: germline. Inheritance: Autosomal dominant inheritance.
Comment: The RUNX1 c.*1138C>A variant in the 3' UTR has an MAF of 0.05416 (5.4%, 835/15418 alleles) in the non-Finnish European subpopulation of the gnomAD v2.1.1 cohort and is >= 0.0015 (0.15%) (BA1). This variant is detected in a homozygous state in 135 individuals in the gnomAD v3 population database (BP2). In summary, this variant meets criteria to be classified as benign. ACMG/AMP criteria applied, as specified by the Myeloid Malignancy Variant Curation Expert Panel for RUNX1: BA1, BP2.

Illumina Laboratory Services, Illumina
Classification: Benign for Hereditary thrombocytopenia and hematological cancer predisposition syndrome associated with RUNX1. Last evaluated: 2018-01-12. Review status: criteria provided, single submitter. Criteria: ICSL Variant Classification Criteria 13 December 2019. Collection method: clinical testing. Allele origin: germline. Not counted in ClinVar's aggregate classification.
Comment: This variant was observed in the ICSL laboratory as part of a predisposition screen in an ostensibly healthy population. It had not been previously curated by ICSL or reported in the Human Gene Mutation Database (HGMD: prior to June 1st, 2018), and was therefore a candidate for classification through an automated scoring system. Utilizing variant allele frequency, disease prevalence and penetrance estimates, and inheritance mode, an automated score was calculated to assess if this variant is too frequent to cause the disease. Based on the score and internal cut-off values, a variant classified as benign is not then subjected to further curation. The score for this variant resulted in a classification of benign for this disease.

Breakthrough Genomics
Classification: Benign. Review status: criteria provided, single submitter. Criteria: ACMG Guidelines, 2015. Collection method: not provided. Allele origin: germline. Inheritance: Autosomal dominant inheritance. Affected: yes. Not counted in ClinVar's aggregate classification.

NM_001754.5(RUNX1):c.*1138C>A

Gene: RUNX1 (RUNX family transcription factor 1; minus strand). Cytogenetic location: 21q22.12.
Variant type: single nucleotide variant.
Coding change: c.*1138C>A on transcript NM_001754.5 (MANE Select); 1138 bases downstream of the stop codon, C replaced by A.
Molecular consequence: 3 prime UTR variant.
Genome position (GRCh38, 1-based): chr21:34,790,997, G>T on the plus strand (C>A on the coding strand, the complement: RUNX1 is on the minus strand). VCF-style: chr21-34790997-G-T. GRCh37 (hg19) VCF-style: chr21-36163294-G-T.
Other names: c.*1138C>A (NM_001754.4, NM_001001890.3).
Identifiers: ClinVar variation 339849 (VCV000339849.7), dbSNP rs55744508, ClinGen allele CA10653569.
Genomic context (GRCh38, chr21:34,790,997, plus strand): 5'-CTGGGCAGAAATCAAATCCTCTCCAAAGATGTAATTATTGGCACCTGCCTCAACCCTCTG[G>T]AACTAGATTGACCTTCTCTGTTTTAAGGAGGAAGTTAGATATGAGACCCTTGTTGAGCCT-3'